The following is an entry in ClinVar:

NM_000264.5(PTCH1):c.2170G>C (p.Glu724Gln)

Genes: PTCH1 (patched 1; minus strand), LOC100507346 (uncharacterized LOC100507346; plus strand). Cytogenetic location: 9q22.32.
Variant type: single nucleotide variant.
Coding change: c.2170G>C on transcript NM_000264.5 (MANE Select); coding-DNA position 2170, G replaced by C.
Protein change: p.Glu724Gln; replaces glutamic acid 724 with glutamine.
Molecular consequence: missense variant. On other transcripts: non-coding transcript variant (2).
Genome position (GRCh38, 1-based): chr9:95,468,831, C>G on the plus strand (G>C on the coding strand, the complement: PTCH1 is on the minus strand). VCF-style: chr9-95468831-C-G. GRCh37 (hg19) VCF-style: chr9-98231113-C-G.
Other names: c.1972G>C, p.Glu658Gln (NM_001083602.3); c.2167G>C, p.Glu723Gln (NM_001083603.3); c.1717G>C, p.Glu573Gln (NM_001083604.3, NM_001083605.3, NM_001083606.3 and 1 more transcripts); c.2014G>C, p.Glu672Gln (NM_001354918.2); short protein forms E658Q, E724Q, E723Q, E573Q, E672Q.
Identifiers: ClinVar variation 453816 (VCV000453816.15), dbSNP rs144501989, ClinGen allele CA374115458.
Genomic context (GRCh38, chr9:95,468,831, plus strand): 5'-GGAAAGGAGCATAGTGCTTCTCAGCAAAAGATGAGAGTGTCCACTTCGTACAGGGGGGCT[C>G]GAGGCAGTGGAGGCTGGAGTCGGAGAACTGGGAGAGCAGGTCCCTTGTGGAGCTGGTGCT-3'
Protein context (NP_000255.2, residues 714-734): QFSDSSLHCL[Glu724Gln]PPCTKWTLSS

ClinVar aggregate classification (germline): Uncertain significance. Review status: criteria provided, multiple submitters, no conflicts (2 of 4 stars). 2 submissions from 2 submitters: Uncertain significance (2). Last evaluated 2025-12-09.

Conditions:
Hereditary cancer-predisposing syndrome. Also called: Tumor predisposition; Hereditary Cancer Syndrome; Neoplastic Syndromes, Hereditary; Hereditary neoplastic syndrome. Identifiers: Orphanet 140162, MedGen C0027672, MeSH D009386, MONDO:0015356.
Gorlin syndrome. Also called: Basal cell nevus syndrome; Nevoid Basal Cell Carcinoma Syndrome. Identifiers: Orphanet 377, MedGen C0004779, MONDO:0007187.

gnomAD v4.1: 1 of 1,614,010 alleles (0.000062%); highest among the groups gnomAD compares: Non-Finnish European, 0.000085%; no homozygotes.

Submissions (2):

Ambry Genetics
Classification: Uncertain significance for Hereditary cancer-predisposing syndrome. Last evaluated: 2025-12-09. Review status: criteria provided, single submitter. Criteria: Ambry Variant Classification Scheme 2023. Collection method: clinical testing. Allele origin: germline.
Comment: The p.E724Q variant (also known as c.2170G>C), located in coding exon 14 of the PTCH1 gene, results from a G to C substitution at nucleotide position 2170. The glutamic acid at codon 724 is replaced by glutamine, an amino acid with highly similar properties. This amino acid position is well conserved in available vertebrate species. In addition, this alteration is predicted to be tolerated by in silico analysis. Based on the available evidence, the clinical significance of this variant remains unclear.

Labcorp Genetics (formerly Invitae), Labcorp
Classification: Uncertain significance for Gorlin syndrome. Last evaluated: 2022-06-20. Review status: criteria provided, single submitter. Criteria: Invitae Variant Classification Sherloc (09022015). Collection method: clinical testing. Allele origin: germline.
Comment: This variant has not been reported in the literature in individuals affected with PTCH1-related conditions. ClinVar contains an entry for this variant (Variation ID: 453816). Advanced modeling of protein sequence and biophysical properties (such as structural, functional, and spatial information, amino acid conservation, physicochemical variation, residue mobility, and thermodynamic stability) performed at Invitae indicates that this missense variant is not expected to disrupt PTCH1 protein function. In summary, the available evidence is currently insufficient to determine the role of this variant in disease. Therefore, it has been classified as a Variant of Uncertain Significance. This variant is not present in population databases (gnomAD no frequency). This sequence change replaces glutamic acid, which is acidic and polar, with glutamine, which is neutral and polar, at codon 724 of the PTCH1 protein (p.Glu724Gln).